The following is an entry in ClinVar:

ClinVar aggregate classification (germline): Uncertain significance (1 of 4 stars; one submission).

Conditions:
Joubert syndrome. Also called: CEREBELLOPARENCHYMAL DISORDER IV; JOUBERT-BOLTSHAUSER SYNDROME; Familial aplasia of the vermis. Identifiers: Orphanet 475, MedGen C5979921, MONDO:0018772.
Meckel-Gruber syndrome. Also called: DYSENCEPHALIA SPLANCHNOCYSTICA; GRUBER SYNDROME; Dysencephalia splachnocystica. Identifiers: Orphanet 564, MedGen C0265215, MONDO:0018921.

Allele frequency attached by ClinVar (database versions not stated): gnomAD 0.00001; gnomAD exomes 0.00001; TOPMed 0.00001; ExAC 0.00002; ESP Exome Variant Server 0.00008.
gnomAD v4.1: 12 of 1,613,096 alleles (0.00074%); highest among the groups gnomAD compares: African/African-American, 0.0013%; no homozygotes.

Submission:

Labcorp Genetics (formerly Invitae), Labcorp
Classification: Uncertain significance for Joubert syndrome; Meckel-Gruber syndrome. Last evaluated: 2022-07-15. Review status: criteria provided, single submitter. Criteria: Invitae Variant Classification Sherloc (09022015). Collection method: clinical testing. Allele origin: germline.
Comment: This sequence change replaces arginine, which is basic and polar, with glycine, which is neutral and non-polar, at codon 513 of the RPGRIP1L protein (p.Arg513Gly). This variant is present in population databases (rs145704610, gnomAD 0.0009%). This variant has not been reported in the literature in individuals affected with RPGRIP1L-related conditions. Algorithms developed to predict the effect of missense changes on protein structure and function (SIFT, PolyPhen-2, Align-GVGD) all suggest that this variant is likely to be disruptive. In summary, the available evidence is currently insufficient to determine the role of this variant in disease. Therefore, it has been classified as a Variant of Uncertain Significance.

NM_015272.5(RPGRIP1L):c.1537A>G (p.Arg513Gly)

Gene: RPGRIP1L (RPGRIP1 like; minus strand). Cytogenetic location: 16q12.2.
Variant type: single nucleotide variant.
Coding change: c.1537A>G on transcript NM_015272.5 (MANE Select); coding-DNA position 1537, A replaced by G.
Protein change: p.Arg513Gly; replaces arginine 513 with glycine.
Molecular consequence: missense variant.
Genome position (GRCh38, 1-based): chr16:53,657,497, T>C on the plus strand (A>G on the coding strand, the complement: RPGRIP1L is on the minus strand). VCF-style: chr16-53657497-T-C. GRCh37 (hg19) VCF-style: chr16-53691409-T-C.
Other names: c.1537A>G, p.Arg513Gly (NM_001127897.4, NM_001308334.3, NM_001330538.2); short protein forms R513G.
Identifiers: ClinVar variation 2169970 (VCV002169970.1), dbSNP rs145704610, ClinGen allele CA8057778.